The following is an entry in ClinVar:

ClinVar aggregate classification (germline): Uncertain significance (1 of 4 stars; one submission).

Submission:

Labcorp Genetics (formerly Invitae), Labcorp
Classification: Uncertain significance. Last evaluated: 2025-09-16. Review status: criteria provided, single submitter. Criteria: Invitae Variant Classification Sherloc (09022015). Collection method: clinical testing. Allele origin: germline.
Comment: This variant, c.1514_1516del, results in the deletion of 1 amino acid(s) of the SLC4A1 protein (p.Val505del), but otherwise preserves the integrity of the reading frame. This variant is not present in population databases (gnomAD no frequency). This variant has not been reported in the literature in individuals affected with SLC4A1-related conditions. Experimental studies and prediction algorithms are not available or were not evaluated, and the functional significance of this variant is currently unknown. In summary, the available evidence is currently insufficient to determine the role of this variant in disease. Therefore, it has been classified as a Variant of Uncertain Significance.

NM_000342.4(SLC4A1):c.1508TGG[2] (p.Val505del)

Gene: SLC4A1 (solute carrier family 4 member 1 (Diego blood group); minus strand). Cytogenetic location: 17q21.31.
Variant type: Microsatellite.
Coding change: c.1508TGG[2] on transcript NM_000342.4 (MANE Select); two copies in a row of the 3-base unit TGG starting at c.1508; the reference has three copies in a row; one copy, 3 bases deleted.
Protein change: p.Val505del; deletes valine 505.
Molecular consequence: inframe deletion.
Genome position (GRCh38, 1-based): chr17:44,257,460-44,257,462, CCA deleted on the plus strand (TGG on the coding strand, the reverse complement: SLC4A1 is on the minus strand); deleting any 3 consecutive bases within chr17:44,257,460-44,257,468 gives the same sequence; the position shown is the placement nearest the transcript's 3' end. VCF-style (leftmost placement, unchanged base first): chr17-44257459-GCCA-G. GRCh37 (hg19) VCF-style: chr17-42334827-GCCA-G.
Other names: short protein forms V505del.
Identifiers: ClinVar variation 4727349 (VCV004727349.1).